The following is an entry in ClinVar:

ClinVar aggregate classification (germline): Conflicting classifications of pathogenicity. Review status: criteria provided, conflicting classifications (1 of 4 stars). 6 submissions from 6 submitters: Pathogenic (2); Likely pathogenic (2); Uncertain significance (2). Last evaluated 2025-05-13.

Conditions:
RYR1-related disorder. Also called: RYR1-related condition; RYR1-related disorders. Identifiers: MedGen CN239331.
Malignant hyperthermia, susceptibility to, 1 (MHS1). Also called: RYR1-Related Malignant Hyperthermia Susceptibility; Anesthesia related hyperthermia; Malignant hyperpyrexia; Fulminating hyperpyrexia; Pharmacogenic myopathy; Malignant hyperthermia suceptibility 1. Identifiers: Orphanet 423, MedGen C2930980, MONDO:0007783, OMIM 145600.
Congenital multicore myopathy with external ophthalmoplegia (CMYO1B). Also called: MULTIMINICORE DISEASE WITH EXTERNAL OPHTHALMOPLEGIA; Minicore myopathy with external ophthalmoplegia; Congenital myopathy 1B, autosomal recessive; Minicore myopathy; MULTICORE MYOPATHY. Identifiers: Orphanet 598, Orphanet 98905, MedGen C1850674, MONDO:0009712, OMIM 255320, HP:0003789.

Submissions (6):

Women's Health and Genetics/Laboratory Corporation of America, LabCorp
Classification: Pathogenic for Congenital multicore myopathy with external ophthalmoplegia. Last evaluated: 2025-05-13. Review status: criteria provided, single submitter. Criteria: LabCorp Variant Classification Summary - May 2015. Collection method: clinical testing. Allele origin: germline.
Comment: Variant summary: RYR1 c.7775dupG (p.Arg2593SerfsX9) results in a premature termination codon, predicted to cause a truncation of the encoded protein or absence of the protein due to nonsense mediated decay, which are commonly known mechanisms for disease. The variant was absent in 249836 control chromosomes. To our knowledge, no occurrence of c.7775dupG in individuals affected with Congenital multicore myopathy with external ophthalmoplegia and no experimental evidence demonstrating its impact on protein function have been reported. ClinVar contains an entry for this variant (Variation ID: 1071281). Based on the evidence outlined above, the variant was classified as pathogenic.

PreventionGenetics, part of Exact Sciences
Classification: Likely pathogenic for RYR1-related condition. Last evaluated: 2025-05-06. Review status: criteria provided, single submitter. Criteria: ACMG Guidelines, 2015. Collection method: clinical testing. Allele origin: germline.
Comment: The RYR1 c.7775dupG variant is predicted to result in a frameshift and premature protein termination (p.Arg2593Serfs*9). To our knowledge, this variant has not been reported in the literature. This variant is reported in 0.0065% of alleles in individuals of European (Non-Finnish) descent in gnomAD. Loss of function variants, including frameshift, splicing, and nonsense variants are expected to be pathogenic for the autosomal recessive myopathy phenotype. Loss of function variants are not established for autosomal dominant malignant hyperthermia. Taken together, this variant is interpreted as likely pathogenic for autosomal recessive RYR1-related disorders and interpreted as uncertain for autosomal dominant malignant hyperthermia.

Labcorp Genetics (formerly Invitae), Labcorp
Classification: Pathogenic for RYR1-related disorder. Last evaluated: 2024-12-18. Review status: criteria provided, single submitter. Criteria: Invitae Variant Classification Sherloc (09022015). Collection method: clinical testing. Allele origin: germline.
Comment: This sequence change creates a premature translational stop signal (p.Arg2593Serfs*9) in the RYR1 gene. It is expected to result in an absent or disrupted protein product. Loss-of-function variants in RYR1 are known to be pathogenic (PMID: 23919265, 25960145, 28818389, 30611313). This variant is present in population databases (no rsID available, gnomAD 0.007%). This variant has not been reported in the literature in individuals affected with RYR1-related conditions. ClinVar contains an entry for this variant (Variation ID: 1071281). For these reasons, this variant has been classified as Pathogenic.

All of Us Research Program, National Institutes of Health
Classification: Uncertain significance for Malignant hyperthermia, susceptibility to, 1. Last evaluated: 2024-04-25. Review status: criteria provided, single submitter. Criteria: ACMG Guidelines, 2015. Collection method: clinical testing. Allele origin: germline. Inheritance: Autosomal dominant inheritance. Observed: 3 variant alleles, 3 heterozygotes.
Comment: This pathogenicity assessment is for autosomal dominant malignant hyperthermia susceptibility phenotype. This frameshift variant is predicted to result in an absent RYR1 protein product. Loss of RYR1 function due to haploinsufficiency is associated with congenital myopathy, but it is not an established disease mechanism for autosomal dominant malignant hyperthermia susceptibility. Therefore, this variant is classified as a Variant of Uncertain Significance for malignant hyperthermia susceptibility.

This study involves interpretation of variants in research participants for the purpose of population health screening. Participant phenotype was not available at the time of variant classification. Additional details can be found in publication PMID: 35346344, PMCID: PMC8962531

Color Diagnostics, LLC DBA Color Health
Classification: Uncertain significance for Malignant hyperthermia, susceptibility to, 1. Last evaluated: 2024-02-02. Review status: criteria provided, single submitter. Criteria: ACMG Guidelines, 2015. Collection method: clinical testing. Allele origin: germline.
Comment: This pathogenicity assessment is for autosomal dominant malignant hyperthermia susceptibility phenotype. This frameshift variant is predicted to result in an absent RYR1 protein product. Loss of RYR1 function due to haploinsufficiency is associated with congenital myopathy, but it is not an established disease mechanism for autosomal dominant malignant hyperthermia susceptibility. Therefore, this variant is classified as a Variant of Uncertain Significance for malignant hyperthermia susceptibility.

CeGaT Center for Human Genetics Tuebingen
Classification: Likely pathogenic. Last evaluated: 2023-10-01. Review status: criteria provided, single submitter. Criteria: CeGaT Center For Human Genetics Tuebingen Variant Classification Criteria Version 2. Collection method: clinical testing. Allele origin: germline. Affected: yes. Observed: 1 variant allele.
Comment: RYR1: PVS1, PM2:Supporting

Literature cited by the submitters: PubMed 23919265 (cited by Labcorp Genetics (formerly Invitae), Labcorp); PubMed 25960145 (cited by Labcorp Genetics (formerly Invitae), Labcorp); PubMed 28818389 (cited by Labcorp Genetics (formerly Invitae), Labcorp); PubMed 30611313 (cited by Labcorp Genetics (formerly Invitae), Labcorp).

NM_000540.3(RYR1):c.7775dup (p.Arg2593fs)

Gene: RYR1 (ryanodine receptor 1; plus strand). Cytogenetic location: 19q13.2.
Variant type: Duplication.
Coding change: c.7775dup on transcript NM_000540.3 (MANE Select); coding-DNA position 7775, one base duplicated (G; older notation c.7775dupG).
Protein change: p.Arg2593fs; shifts the reading frame from arginine 2593.
Molecular consequence: frameshift variant.
Genome position (GRCh38, 1-based): chr19:38,502,667, G duplicated; the last of 4 consecutive G bases (chr19:38,502,664-38,502,667); duplicating any one gives the same sequence. VCF-style (leftmost placement, unchanged base first): chr19-38502663-C-CG. GRCh37 (hg19) VCF-style: chr19-38993303-C-CG.
Other names: c.7775dup, p.Arg2593fs (NM_001042723.2); c.7775dupG (NM_000540.3, NM_000540.2); short protein forms R2593fs.
Identifiers: ClinVar variation 1071281 (VCV001071281.32), dbSNP rs1281875506, ClinGen allele CA633066648.